The following is an entry in ClinVar:

ClinVar aggregate classification (germline): Uncertain significance (1 of 4 stars; one submission).

Allele frequency attached by ClinVar (database versions not stated): gnomAD exomes below 0.00001 and 0.00001; gnomAD 0.00001; TOPMed 0.00001.
gnomAD v4.1: 10 of 1,613,848 alleles (0.00062%); highest among the groups gnomAD compares: Non-Finnish European, 0.00085%; no homozygotes.

Submission:

Labcorp Genetics (formerly Invitae), Labcorp
Classification: Uncertain significance. Last evaluated: 2021-01-10. Review status: criteria provided, single submitter. Criteria: Invitae Variant Classification Sherloc (09022015). Collection method: clinical testing. Allele origin: germline.
Comment: In summary, the available evidence is currently insufficient to determine the role of this variant in disease. Therefore, it has been classified as a Variant of Uncertain Significance. Algorithms developed to predict the effect of missense changes on protein structure and function (SIFT, PolyPhen-2, Align-GVGD) all suggest that this variant is likely to be tolerated, but these predictions have not been confirmed by published functional studies and their clinical significance is uncertain. This variant has not been reported in the literature in individuals with EFL1-related conditions. This variant is not present in population databases (ExAC no frequency). This sequence change replaces glycine with serine at codon 710 of the EFL1 protein (p.Gly710Ser). The glycine residue is highly conserved and there is a small physicochemical difference between glycine and serine.

NM_024580.6(EFL1):c.2128G>A (p.Gly710Ser)

Gene: EFL1 (elongation factor like GTPase 1; minus strand). Cytogenetic location: 15q25.2.
Variant type: single nucleotide variant.
Coding change: c.2128G>A on transcript NM_024580.6 (MANE Select); coding-DNA position 2128, G replaced by A.
Protein change: p.Gly710Ser; replaces glycine 710 with serine.
Molecular consequence: missense variant. On other transcripts: non-coding transcript variant (1).
Genome position (GRCh38, 1-based): chr15:82,152,326, C>T on the plus strand (G>A on the coding strand, the complement: EFL1 is on the minus strand). VCF-style: chr15-82152326-C-T. GRCh37 (hg19) VCF-style: chr15-82444667-C-T.
Other names: c.1975G>A, p.Gly659Ser (NM_001040610.3); c.1339G>A, p.Gly447Ser (NM_001322844.2); c.2128G>A, p.Gly710Ser (NM_001322845.2); short protein forms G659S, G710S, G447S.
Identifiers: ClinVar variation 1435446 (VCV001435446.8), dbSNP rs1056295681, ClinGen allele CA273470857.